The following is an entry in ClinVar:

NM_013275.6(ANKRD11):c.1579G>A (p.Gly527Arg)

Gene: ANKRD11 (ankyrin repeat domain 11; minus strand). Cytogenetic location: 16q24.3.
Variant type: single nucleotide variant.
Coding change: c.1579G>A on transcript NM_013275.6 (MANE Select); coding-DNA position 1579, G replaced by A.
Protein change: p.Gly527Arg; replaces glycine 527 with arginine.
Molecular consequence: missense variant.
Genome position (GRCh38, 1-based): chr16:89,284,963, C>T on the plus strand (G>A on the coding strand, the complement: ANKRD11 is on the minus strand). VCF-style: chr16-89284963-C-T. GRCh37 (hg19) VCF-style: chr16-89351371-C-T.
Other names: c.1579G>A, p.Gly527Arg (NM_001256182.2, NM_001256183.2); short protein forms G527R.
Identifiers: ClinVar variation 2898748 (VCV002898748.3), dbSNP rs752451204, ClinGen allele CA8242738.

ClinVar aggregate classification (germline): Uncertain significance (1 of 4 stars; one submission).

Conditions:
KBG syndrome (KBGS). Also called: ANKRD11-Related KBG Syndrome. Identifiers: Orphanet 2332, MedGen C0220687, MONDO:0007846, OMIM 148050.

Allele frequency attached by ClinVar (database versions not stated): ExAC 0.00001; gnomAD 0.00001; TOPMed 0.00001; gnomAD exomes 0.00002.
gnomAD v4.1: 34 of 1,613,962 alleles (0.0021%); highest among the groups gnomAD compares: Non-Finnish European, 0.0028%; no homozygotes.

Submission:

Labcorp Genetics (formerly Invitae), Labcorp
Classification: Uncertain significance for KBG syndrome. Last evaluated: 2023-09-19. Review status: criteria provided, single submitter. Criteria: Invitae Variant Classification Sherloc (09022015). Collection method: clinical testing. Allele origin: germline.
Comment: In summary, the available evidence is currently insufficient to determine the role of this variant in disease. Therefore, it has been classified as a Variant of Uncertain Significance. Advanced modeling of protein sequence and biophysical properties (such as structural, functional, and spatial information, amino acid conservation, physicochemical variation, residue mobility, and thermodynamic stability) performed at Invitae indicates that this missense variant is not expected to disrupt ANKRD11 protein function. This variant has not been reported in the literature in individuals affected with ANKRD11-related conditions. This variant is present in population databases (rs752451204, gnomAD 0.002%). This sequence change replaces glycine, which is neutral and non-polar, with arginine, which is basic and polar, at codon 527 of the ANKRD11 protein (p.Gly527Arg).